The following is an entry in ClinVar:

ClinVar aggregate classification (germline): Uncertain significance (1 of 4 stars; one submission).

Conditions:
Hereditary cancer-predisposing syndrome. Also called: Tumor predisposition; Hereditary neoplastic syndrome; Hereditary Cancer Syndrome; Neoplastic Syndromes, Hereditary. Identifiers: Orphanet 140162, MedGen C0027672, MeSH D009386, MONDO:0015356.

Submission:

Ambry Genetics
Classification: Uncertain significance for Hereditary cancer-predisposing syndrome. Last evaluated: 2023-12-02. Review status: criteria provided, single submitter. Criteria: Ambry Variant Classification Scheme 2023. Collection method: clinical testing. Allele origin: germline.
Comment: The p.S355A variant (also known as c.1063T>G), located in coding exon 9 of the MRE11A gene, results from a T to G substitution at nucleotide position 1063. The serine at codon 355 is replaced by alanine, an amino acid with similar properties. This amino acid position is conserved. In addition, this alteration is predicted to be tolerated by in silico analysis. Since supporting evidence is limited at this time, the clinical significance of this alteration remains unclear.

NM_005591.4(MRE11):c.1063T>G (p.Ser355Ala)

Gene: MRE11 (MRE11 double strand break repair nuclease; minus strand). Cytogenetic location: 11q21.
Variant type: single nucleotide variant.
Coding change: c.1063T>G on transcript NM_005591.4 (MANE Select); coding-DNA position 1063, T replaced by G.
Protein change: p.Ser355Ala; replaces serine 355 with alanine.
Molecular consequence: missense variant.
Genome position (GRCh38, 1-based): chr11:94,467,848, A>C on the plus strand (T>G on the coding strand, the complement: MRE11 is on the minus strand). VCF-style: chr11-94467848-A-C. GRCh37 (hg19) VCF-style: chr11-94201014-A-C.
Other names: c.1063T>G, p.Ser355Ala (NM_001330347.2, NM_005590.4); short protein forms S355A.
Identifiers: ClinVar variation 3224813 (VCV003224813.1), dbSNP rs2496460247, ClinGen allele CA382373754.